The following is an entry in ClinVar:

NM_001242896.3(DEPDC5):c.4009C>T (p.Arg1337Trp)

Gene: DEPDC5 (DEP domain containing 5, GATOR1 subcomplex subunit; plus strand). Cytogenetic location: 22q12.3.
Variant type: single nucleotide variant.
Coding change: c.4009C>T on transcript NM_001242896.3 (MANE Select); coding-DNA position 4009, C replaced by T.
Protein change: p.Arg1337Trp; replaces arginine 1337 with tryptophan.
Molecular consequence: missense variant. On other transcripts: non-coding transcript variant (5).
Genome position (GRCh38, 1-based): chr22:31,879,728, C>T. VCF-style: chr22-31879728-C-T. GRCh37 (hg19) VCF-style: chr22-32275714-C-T.
Other names: c.3982C>T, p.Arg1328Trp (NM_001136029.4); c.3709C>T, p.Arg1237Trp (NM_001242897.2); c.3943C>T, p.Arg1315Trp (NM_001363852.2, NM_001364320.2); c.3775C>T, p.Arg1259Trp (NM_001363854.2, NM_001364319.2); c.4009C>T, p.Arg1337Trp (NM_001364318.2); c.3925C>T, p.Arg1309Trp (NM_001369901.1, NM_001369902.1); c.3916C>T, p.Arg1306Trp (NM_001369903.1, NM_014662.6); short protein forms R1337W, R1259W, R1309W, R1237W, R1306W, R1315W, R1328W.
Identifiers: ClinVar variation 2742233 (VCV002742233.3), dbSNP rs762603790, ClinGen allele CA10197156.
Genomic context (GRCh38, chr22:31,879,728, plus strand): 5'-CCTAGCCGGCCAGCCTCCTATGCAAGTAGGCACAGCTCCTTTAGCCGAAGTTTTGGAGGA[C>T]GGAGCCAGGCGGCAGCACTTTTAGGTACATGCTCAACCCAGACAAGGTCTGAGGGTGTGC-3'
Protein context (NP_001229825.1, residues 1327-1347): HSSFSRSFGG[Arg1337Trp]SQAAALLAAT

ClinVar aggregate classification (germline): Uncertain significance (1 of 4 stars; one submission).

Conditions:
Familial focal epilepsy with variable foci (FPEVF). Identifiers: Orphanet 98820, MedGen C1858477, MONDO:0020310.

Allele frequency attached by ClinVar (database versions not stated): gnomAD exomes below 0.00001; ExAC 0.00001.
gnomAD v4.1: 3 of 1,613,914 alleles (0.00019%); highest among the groups gnomAD compares: East Asian, 0.0022%; no homozygotes.

Submission:

Labcorp Genetics (formerly Invitae), Labcorp
Classification: Uncertain significance for Familial focal epilepsy with variable foci. Last evaluated: 2023-08-01. Review status: criteria provided, single submitter. Criteria: Invitae Variant Classification Sherloc (09022015). Collection method: clinical testing. Allele origin: germline.
Comment: Experimental studies and prediction algorithms are not available or were not evaluated, and the functional significance of this variant is currently unknown. This sequence change replaces arginine, which is basic and polar, with tryptophan, which is neutral and slightly polar, at codon 1337 of the DEPDC5 protein (p.Arg1337Trp). This variant is present in population databases (rs762603790, gnomAD 0.003%). This variant has not been reported in the literature in individuals affected with DEPDC5-related conditions. In summary, the available evidence is currently insufficient to determine the role of this variant in disease. Therefore, it has been classified as a Variant of Uncertain Significance.